The following is an entry in ClinVar:

ClinVar aggregate classification (germline): Likely benign (1 of 4 stars; one submission).

Conditions:
SLCO1B3-related disorder. Also called: SLCO1B3-related condition.

Submission:

PreventionGenetics, part of Exact Sciences
Classification: Likely benign for SLCO1B3-related condition. Last evaluated: 2026-02-10. Review status: criteria provided, single submitter. Criteria: ACMG Guidelines, 2015. Collection method: clinical testing. Allele origin: germline.
Comment: This variant is classified as likely benign based on ACMG/AMP sequence variant interpretation guidelines (Richards et al. 2015 PMID: 25741868, with internal and published modifications).

NM_019844.4(SLCO1B3):c.227-7T>G

Genes: SLCO1B3 (solute carrier organic anion transporter family member 1B3; plus strand), SLCO1B3-SLCO1B7 (SLCO1B3-SLCO1B7 readthrough; plus strand). Cytogenetic location: 12p12.2.
Variant type: single nucleotide variant.
Coding change: c.227-7T>G on transcript NM_019844.4 (MANE Select); 7 bases into the intron before coding-DNA position 227, T replaced by G.
Molecular consequence: intron variant.
Genome position (GRCh38, 1-based): chr12:20,858,432, T>G. VCF-style: chr12-20858432-T-G. GRCh37 (hg19) VCF-style: chr12-21011366-T-G.
Other names: c.143-7T>G (NM_001349920.2); c.227-7T>G (NM_001371097.1).
Identifiers: ClinVar variation 4984051 (VCV004984051.1).